The following is an entry in ClinVar:

NM_014425.5(INVS):c.752A>G (p.Tyr251Cys)

Gene: INVS (inversin; plus strand). Cytogenetic location: 9q31.1.
Variant type: single nucleotide variant.
Coding change: c.752A>G on transcript NM_014425.5 (MANE Select); coding-DNA position 752, A replaced by G.
Protein change: p.Tyr251Cys; replaces tyrosine 251 with cysteine.
Molecular consequence: missense variant. On other transcripts: 5 prime UTR variant (1), non-coding transcript variant (1).
Genome position (GRCh38, 1-based): chr9:100,240,196, A>G. VCF-style: chr9-100240196-A-G. GRCh37 (hg19) VCF-style: chr9-103002478-A-G.
Other names: c.464A>G, p.Tyr155Cys (NM_001318381.2); c.-238A>G (NM_001318382.2); short protein forms Y155C, Y251C.
Identifiers: ClinVar variation 4982673 (VCV004982673.1).

ClinVar aggregate classification (germline): Uncertain significance (1 of 4 stars; one submission).

Conditions:
INVS-related disorder. Also called: INVS-related condition.

Submission:

PreventionGenetics, part of Exact Sciences
Classification: Uncertain significance for INVS-related condition. Last evaluated: 2026-05-03. Review status: criteria provided, single submitter. Criteria: ACMG Guidelines, 2015. Collection method: clinical testing. Allele origin: germline.
Comment: The INVS c.752A>G variant is predicted to result in the amino acid substitution p.Tyr251Cys. To our knowledge, this variant has not been reported in the literature or in a large population database (gnomAD), indicating this variant is rare. At this time, the clinical significance of this variant is uncertain due to the absence of conclusive functional and genetic evidence.